The following is an entry in ClinVar:

ClinVar aggregate classification (germline): Uncertain significance (1 of 4 stars; one submission).

Submission:

Labcorp Genetics (formerly Invitae), Labcorp
Classification: Uncertain significance. Last evaluated: 2024-11-08. Review status: criteria provided, single submitter. Criteria: Invitae Variant Classification Sherloc (09022015). Collection method: clinical testing. Allele origin: germline.
Comment: This sequence change replaces asparagine, which is neutral and polar, with threonine, which is neutral and polar, at codon 826 of the PITPNM3 protein (p.Asn826Thr). This variant is present in population databases (rs757320183, gnomAD 0.01%). This variant has not been reported in the literature in individuals affected with PITPNM3-related conditions. Invitae Evidence Modeling of protein sequence and biophysical properties (such as structural, functional, and spatial information, amino acid conservation, physicochemical variation, residue mobility, and thermodynamic stability) indicates that this missense variant is not expected to disrupt PITPNM3 protein function with a negative predictive value of 80%. In summary, the available evidence is currently insufficient to determine the role of this variant in disease. Therefore, it has been classified as a Variant of Uncertain Significance.

NM_031220.4(PITPNM3):c.2477A>C (p.Asn826Thr)

Gene: PITPNM3 (PITPNM family member 3; minus strand). Cytogenetic location: 17p13.2.
Variant type: single nucleotide variant.
Coding change: c.2477A>C on transcript NM_031220.4 (MANE Select); coding-DNA position 2477, A replaced by C.
Protein change: p.Asn826Thr; replaces asparagine 826 with threonine.
Molecular consequence: missense variant.
Genome position (GRCh38, 1-based): chr17:6,461,386, T>G on the plus strand (A>C on the coding strand, the complement: PITPNM3 is on the minus strand). VCF-style: chr17-6461386-T-G. GRCh37 (hg19) VCF-style: chr17-6364706-T-G.
Other names: c.2369A>C, p.Asn790Thr (NM_001165966.2); short protein forms N826T, N790T.
Identifiers: ClinVar variation 3682365 (VCV003682365.2).